The following is an entry in ClinVar:

NM_020812.4(DOCK6):c.4197C>T (p.Ile1399=)

Genes: DOCK6 (dedicator of cytokinesis 6; minus strand), DOCK6-AS1 (DOCK6 antisense RNA 1; plus strand). Cytogenetic location: 19p13.2.
Variant type: single nucleotide variant.
Coding change: c.4197C>T on transcript NM_020812.4 (MANE Select); coding-DNA position 4197, C replaced by T.
Protein change: p.Ile1399=; no amino-acid change (isoleucine 1399 retained).
Molecular consequence: synonymous variant.
Genome position (GRCh38, 1-based): chr19:11,214,559, G>A on the plus strand (C>T on the coding strand, the complement: DOCK6 is on the minus strand). VCF-style: chr19-11214559-G-A. GRCh37 (hg19) VCF-style: chr19-11325235-G-A.
Other names: c.4302C>T, p.Ile1434= (NM_001367830.1).
Identifiers: ClinVar variation 715180 (VCV000715180.39), dbSNP rs35583018, ClinGen allele CA9206955.

ClinVar aggregate classification (germline): Benign/Likely benign. Review status: criteria provided, multiple submitters, no conflicts (2 of 4 stars). 5 submissions from 5 submitters: Benign (1); Likely benign (4). Last evaluated 2026-01-07.

Allele frequency attached by ClinVar (database versions not stated): gnomAD exomes 0.00104; ExAC 0.00113; gnomAD 0.00306; TOPMed 0.00351; ESP Exome Variant Server 0.00391; 1000 Genomes Project 30x 0.00437; 1000 Genomes Project 0.00479.
gnomAD v4.1: 1,198 of 1,613,870 alleles (0.074%); highest among the groups gnomAD compares: African/African-American, 1.2%; 7 homozygotes.

Submissions (5):

Labcorp Genetics (formerly Invitae), Labcorp
Classification: Benign. Last evaluated: 2026-01-07. Review status: criteria provided, single submitter. Criteria: Invitae Variant Classification Sherloc (09022015). Collection method: clinical testing. Allele origin: germline.

CeGaT Center for Human Genetics Tuebingen
Classification: Likely benign. Last evaluated: 2025-12-01. Review status: criteria provided, single submitter. Criteria: CeGaT Center For Human Genetics Tuebingen Variant Classification Criteria Version 2. Collection method: clinical testing. Allele origin: germline. Affected: yes. Observed: 3 variant alleles.
Comment: DOCK6: BP4, BP7, BS1

Blueprint Genetics
Classification: Likely benign. Last evaluated: 2024-11-25. Review status: criteria provided, single submitter. Criteria: ACMG Guidelines, 2015. Collection method: clinical testing. Allele origin: germline.

GeneDx
Classification: Likely benign. Last evaluated: 2019-08-18. Review status: criteria provided, single submitter. Criteria: GeneDx Variant Classification Process June 2021. Collection method: clinical testing. Allele origin: germline. Affected: yes.

Breakthrough Genomics
Classification: Likely benign. Review status: criteria provided, single submitter. Criteria: ACMG Guidelines, 2015. Collection method: not provided. Allele origin: germline. Inheritance: Autosomal recessive inheritance. Affected: yes.